The following is an entry in ClinVar:

ClinVar aggregate classification (germline): Uncertain significance (1 of 4 stars; one submission).

Submission:

Labcorp Genetics (formerly Invitae), Labcorp
Classification: Uncertain significance. Last evaluated: 2022-07-16. Review status: criteria provided, single submitter. Criteria: Invitae Variant Classification Sherloc (09022015). Collection method: clinical testing. Allele origin: germline.
Comment: This variant results in a copy number gain of the genomic region encompassing exon(s) 1 of the IMPAD1 gene. This region includes the initiator codon of the gene. This copy number gain extends beyond the assayed region for this gene and therefore may encompass additional genes. As the precise location of this event is unknown, it may be in tandem or it may be located elsewhere in the genome. This variant has not been reported in the literature in individuals affected with IMPAD1-related conditions. Experimental studies and prediction algorithms are not available or were not evaluated, and the functional significance of this variant is currently unknown. In summary, the available evidence is currently insufficient to determine the role of this variant in disease. Therefore, it has been classified as a Variant of Uncertain Significance.

NC_000008.10:g.(?_57905738)_(57906144_?)dup

Gene: BPNT2 (3'(2'), 5'-bisphosphate nucleotidase 2; minus strand). Cytogenetic location: 8q12.1.
Variant type: Duplication.
Identifiers: ClinVar variation 1681023 (VCV001681023.4).